The following is an entry in ClinVar:

NM_001365276.2(TNXB):c.9523A>T (p.Thr3175Ser)

Gene: TNXB (tenascin XB; minus strand). Cytogenetic location: 6p21.33.
Variant type: single nucleotide variant.
Coding change: c.9523A>T on transcript NM_001365276.2 (MANE Select); coding-DNA position 9523, A replaced by T.
Protein change: p.Thr3175Ser; replaces threonine 3175 with serine.
Molecular consequence: missense variant.
Genome position (GRCh38, 1-based): chr6:32,049,504, T>A on the plus strand (A>T on the coding strand, the complement: TNXB is on the minus strand). VCF-style: chr6-32049504-T-A. GRCh37 (hg19) VCF-style: chr6-32017281-T-A.
Other names: c.9517A>T, p.Thr3173Ser (NM_019105.8); short protein forms T3173S, T3175S.
Identifiers: ClinVar variation 1216224 (VCV001216224.12), dbSNP rs202109631, ClinGen allele CA3733494.

ClinVar aggregate classification (germline): Conflicting classifications of pathogenicity. Review status: criteria provided, conflicting classifications (1 of 4 stars). 6 submissions from 6 submitters: Uncertain significance (2); Likely benign (4). Last evaluated 2026-01-28.

Conditions:
TNXB-related disorder. Also called: TNXB-related condition.
Cardiovascular phenotype. Identifiers: MedGen CN230736.

Allele frequency attached by ClinVar (database versions not stated): gnomAD exomes 0.00007 and 0.00019; 1000 Genomes Project 0.00020; ExAC 0.00023; 1000 Genomes Project 30x 0.00062; gnomAD 0.00078 and 0.00085; TOPMed 0.00090; ESP Exome Variant Server 0.00147.

Submissions (6):

Labcorp Genetics (formerly Invitae), Labcorp
Classification: Likely benign. Last evaluated: 2026-01-28. Review status: criteria provided, single submitter. Criteria: Invitae Variant Classification Sherloc (09022015). Collection method: clinical testing. Allele origin: germline.

Women's Health and Genetics/Laboratory Corporation of America, LabCorp
Classification: Likely benign. Last evaluated: 2025-06-05. Review status: criteria provided, single submitter. Criteria: LabCorp Variant Classification Summary - May 2015. Collection method: clinical testing. Allele origin: germline.
Comment: Variant summary: TNXB c.9517A>T (p.Thr3173Ser) results in a conservative amino acid change in the encoded protein sequence. Algorithms developed to predict the effect of missense changes on protein structure and function all suggest that this variant is likely to be tolerated. The variant allele was found at a frequency of 0.00019 in 244802 control chromosomes, predominantly at a frequency of 0.0027 within the African or African-American subpopulation in the gnomAD database. The observed variant frequency within African or African-American control individuals in the gnomAD database is approximately 2 fold of the estimated maximal expected allele frequency for a pathogenic variant in TNXB causing Ehlers-Danlos syndrome due to tenascin-X deficiency phenotype (0.0011). To our knowledge, no occurrence of c.9517A>T in individuals affected with Ehlers-Danlos syndrome due to tenascin-X deficiency and no experimental evidence demonstrating its impact on protein function have been reported. ClinVar contains an entry for this variant (Variation ID: 1216224). Based on the evidence outlined above, the variant was classified as likely benign.

PreventionGenetics, part of Exact Sciences
Classification: Likely benign for TNXB-related condition. Last evaluated: 2024-12-18. Review status: criteria provided, single submitter. Criteria: ACMG Guidelines, 2015. Collection method: clinical testing. Allele origin: germline.
Comment: This variant is classified as likely benign based on ACMG/AMP sequence variant interpretation guidelines (Richards et al. 2015 PMID: 25741868, with internal and published modifications).

Ambry Genetics
Classification: Likely benign for Cardiovascular phenotype. Last evaluated: 2024-05-07. Review status: criteria provided, single submitter. Criteria: Ambry Variant Classification Scheme 2023. Collection method: clinical testing. Allele origin: germline.

GeneDx
Classification: Uncertain significance. Last evaluated: 2022-04-19. Review status: criteria provided, single submitter. Criteria: GeneDx Variant Classification Process June 2021. Collection method: clinical testing. Allele origin: germline. Affected: yes.
Comment: Has not been previously published as pathogenic or benign to our knowledge; In silico analysis supports that this missense variant does not alter protein structure/function

Breakthrough Genomics
Classification: Uncertain significance. Review status: criteria provided, single submitter. Criteria: ACMG Guidelines, 2015. Collection method: not provided. Allele origin: germline. Inheritance: Autosomal recessive inheritance. Affected: yes.